The following is an entry in ClinVar:

NM_001320752.2(STS):c.1189G>A (p.Asp397Asn)

Gene: STS (steroid sulfatase; plus strand). Cytogenetic location: Xp22.31.
Variant type: single nucleotide variant.
Coding change: c.1189G>A on transcript NM_001320752.2 (MANE Select); coding-DNA position 1189, G replaced by A.
Protein change: p.Asp397Asn; replaces aspartic acid 397 with asparagine.
Molecular consequence: missense variant.
Genome position (GRCh38, 1-based): chrX:7,325,446, G>A. VCF-style: chrX-7325446-G-A. GRCh37 (hg19) VCF-style: chrX-7243487-G-A.
Other names: c.1189G>A, p.Asp397Asn (NM_001320754.2, NM_000351.7, NM_001320753.2); c.1225G>A, p.Asp409Asn (NM_001320750.3, NM_001320751.2); c.1204G>A (NM_000351.4); short protein forms D397N, D409N.
Identifiers: ClinVar variation 2825141 (VCV002825141.4), dbSNP rs2518711868, ClinGen allele CA412022540.
Genomic context (GRCh38, chrX:7,325,446, plus strand): 5'-CTTCGTTGGCCCAGGGTGATACAGGCTGGCCAGAAGATTGATGAGCCCACTAGCAACATG[G>A]ACATATTTCCTACAGTAGCCAAGCTGGCTGGAGCTCCCTTGCCTGAGGACAGGTACTCTG-3'
Protein context (NP_001307681.2, residues 387-407): QKIDEPTSNM[Asp397Asn]IFPTVAKLAG

ClinVar aggregate classification (germline): Uncertain significance. Review status: criteria provided, multiple submitters, no conflicts (2 of 4 stars). 2 submissions from 2 submitters: Uncertain significance (2). Last evaluated 2026-02-13.

Conditions:
Inborn genetic diseases. Identifiers: MedGen C0950123, MeSH D030342.

Allele frequency attached by ClinVar (database versions not stated): gnomAD exomes below 0.00001.
gnomAD v4.1: 2 of 1,211,483 alleles (0.00017%); highest among the groups gnomAD compares: Non-Finnish European, 0.00022%; no homozygotes.

Submissions (2):

Ambry Genetics
Classification: Uncertain significance for Inborn genetic diseases. Last evaluated: 2026-02-13. Review status: criteria provided, single submitter. Criteria: Ambry Variant Classification Scheme 2023. Collection method: clinical testing. Allele origin: germline.
Comment: The c.1204G>A (p.D402N) alteration is located in exon 8 (coding exon 8) of the STS gene. This alteration results from a G to A substitution at nucleotide position 1204, causing the aspartic acid (D) at amino acid position 402 to be replaced by an asparagine (N). This variant was not reported in population-based cohorts in the Genome Aggregation Database (gnomAD). This amino acid position is highly conserved in available vertebrate species. This alteration is predicted to be deleterious by in silico analysis. Based on insufficient or conflicting evidence, the clinical significance of this alteration remains unclear.

Labcorp Genetics (formerly Invitae), Labcorp
Classification: Uncertain significance. Last evaluated: 2022-12-30. Review status: criteria provided, single submitter. Criteria: Invitae Variant Classification Sherloc (09022015). Collection method: clinical testing. Allele origin: germline.
Comment: In summary, the available evidence is currently insufficient to determine the role of this variant in disease. Therefore, it has been classified as a Variant of Uncertain Significance. Algorithms developed to predict the effect of sequence changes on RNA splicing suggest that this variant may disrupt the consensus splice site. Advanced modeling of protein sequence and biophysical properties (such as structural, functional, and spatial information, amino acid conservation, physicochemical variation, residue mobility, and thermodynamic stability) performed at Invitae indicates that this missense variant is expected to disrupt STS protein function. This missense change has been observed in individual(s) with X-linked ichthyosis (Invitae). This variant is not present in population databases (gnomAD no frequency). This sequence change replaces aspartic acid, which is acidic and polar, with asparagine, which is neutral and polar, at codon 402 of the STS protein (p.Asp402Asn).